The following is an entry in ClinVar:

ClinVar aggregate classification (germline): Pathogenic/Likely pathogenic. Review status: criteria provided, multiple submitters, no conflicts (2 of 4 stars). 4 submissions from 4 submitters: Pathogenic (2); Likely pathogenic (1). 1 of the submissions does not count toward it. Last evaluated 2025-06-17.

Conditions:
Polyglandular autoimmune syndrome, type 1 (APS1). Also called: Autoimmune polyendocrine syndrome type 1; Autoimmune polyendocrinopathy syndrome, type I; Whitaker syndrome; PGA I; Autoimmune polyendocrinopathy syndrome , type I, with or without reversible metaphyseal dysplasia; AUTOIMMUNE POLYENDOCRINE SYNDROME, TYPE I, WITH OR WITHOUT REVERSIBLE METAPHYSEAL DYSPLASIA. Identifiers: Orphanet 3453, MedGen C0085859, MONDO:0009411, OMIM 240300.

Submissions (4):

Massaad Lab, American University of Beirut
Classification: Pathogenic for Polyglandular autoimmune syndrome, type 1. Last evaluated: 2025-06-17. Review status: criteria provided, single submitter. Criteria: ACMG Guidelines, 2015. Collection method: research. Allele origin: germline. Inheritance: Autosomal recessive inheritance. Affected: yes. Observed: 1 homozygote.
Comment: NM_000383.4(AIRE):c.44G>A (p.Arg15His) is a missense variant in the HSR/CARD domain, which mediates AIRE homodimerization. It is absent from population databases (gnomAD). This position is a mutational hotspot: different missense changes at the same residue (p.Arg15Cys, p.Arg15Gly, p.Arg15Leu) have been classified as pathogenic or likely pathogenic, and a pathogenic missense has been reported at the adjacent residue (p.Thr16Met). Computational predictors support a deleterious effect on the protein. This variant is classified as pathogenic.

Natera, Inc.
Classification: Likely pathogenic for Polyglandular autoimmune syndrome type 1. Last evaluated: 2024-12-27. Review status: criteria provided, single submitter. Criteria: Natera Variant Classification Schema (03/2026). Collection method: clinical testing. Allele origin: germline.
Comment: The c.44G>A variant in AIRE is a missense variant predicted to cause substitution of arginine to histidine at amino acid 15. This variant is rare in the general population with a frequency below the threshold expected for the associated phenotype(s). This variant has been observed in one or more individuals affected with the associated recessive disease, as either homozygous or compound heterozygous with a second variant (PMID: 37017251, 35521792). Additionally, this variant has been observed to segregate in affected family members (PMID: 28222032). A different variant at the same position has been determined to be Pathogenic or Likely Pathogenic. Computational prediction algorithms indicate this variant is likely to affect gene or protein function. Given the available evidence, this variant is classified as Likely Pathogenic.

Genomic Medicine Center of Excellence, King Faisal Specialist Hospital and Research Centre
Classification: Pathogenic for Polyglandular autoimmune syndrome, type 1. Last evaluated: 2024-03-25. Review status: criteria provided, single submitter. Criteria: ACMG Guidelines, 2015. Collection method: clinical testing. Allele origin: germline.

Biochemical Molecular Genetic Laboratory, King Abdulaziz Medical City
Classification: Likely pathogenic for Polyglandular autoimmune syndrome, type 1. Last evaluated: 2020-02-05. Review status: no assertion criteria provided. Collection method: clinical testing. Allele origin: germline. Affected: yes. Not counted in ClinVar's aggregate classification.

Literature cited by the submitters: PubMed 37017251 (cited by Natera, Inc.); PubMed 35521792 (cited by Natera, Inc.); PubMed 28222032 (cited by Natera, Inc.).

NM_000383.4(AIRE):c.44G>A (p.Arg15His)

Gene: AIRE (autoimmune regulator; plus strand). Cytogenetic location: 21q22.3.
Variant type: single nucleotide variant.
Coding change: c.44G>A on transcript NM_000383.4 (MANE Select); coding-DNA position 44, G replaced by A.
Protein change: p.Arg15His; replaces arginine 15 with histidine.
Molecular consequence: missense variant.
Genome position (GRCh38, 1-based): chr21:44,286,050, G>A. VCF-style: chr21-44286050-G-A. GRCh37 (hg19) VCF-style: chr21-45705933-G-A.
Other names: NP_000374.1:p.Arg15His; c.44G>A (NM_000383.3); short protein forms R15H.
Identifiers: ClinVar variation 992986 (VCV000992986.5), dbSNP rs179363876, ClinGen allele CA410422994.